The following is an entry in ClinVar:

NM_005633.4(SOS1):c.979A>G (p.Ile327Val)

Gene: SOS1 (SOS Ras/Rac guanine nucleotide exchange factor 1; minus strand). Cytogenetic location: 2p22.1.
Variant type: single nucleotide variant.
Coding change: c.979A>G on transcript NM_005633.4 (MANE Select); coding-DNA position 979, A replaced by G.
Protein change: p.Ile327Val; replaces isoleucine 327 with valine.
Molecular consequence: missense variant.
Genome position (GRCh38, 1-based): chr2:39,035,307, T>C on the plus strand (A>G on the coding strand, the complement: SOS1 is on the minus strand). VCF-style: chr2-39035307-T-C. GRCh37 (hg19) VCF-style: chr2-39262448-T-C.
Other names: c.958A>G, p.Ile320Val (NM_001382394.1); c.979A>G, p.Ile327Val (NM_001382395.1); short protein forms I327V, I320V.
Identifiers: ClinVar variation 444007 (VCV000444007.13), dbSNP rs758546951, ClinGen allele CA1624669.

ClinVar aggregate classification (germline): Conflicting classifications of pathogenicity. Review status: criteria provided, conflicting classifications (1 of 4 stars). 5 submissions from 4 submitters: Uncertain significance (4); Benign (1). Last evaluated 2025-08-13.

Conditions:
Fibromatosis, gingival, 1 (GINGF1). Identifiers: Orphanet 2024, MedGen C4551558, MONDO:0007609, OMIM 135300.
Cardiovascular phenotype. Identifiers: MedGen CN230736.
RASopathy. Also called: rasopathies; Noonan spectrum disorder. Identifiers: Orphanet 536391, MedGen C5555857, MONDO:0021060.
Noonan syndrome 4 (NS4). Also called: SOS1-Related Noonan Syndrome; NOONAN SYNDROME WITH PIGMENTED VILLONODULAR SYNOVITIS. Identifiers: Orphanet 648, MedGen C1853120, MONDO:0012547, OMIM 610733.

Allele frequency attached by ClinVar (database versions not stated): ExAC 0.00001; gnomAD exomes 0.00001 and 0.00002; TOPMed 0.00001; gnomAD 0.00002.
gnomAD v4.1: 20 of 1,613,360 alleles (0.0012%); highest among the groups gnomAD compares: East Asian, 0.0045%; no homozygotes.

Submissions (6):

Labcorp Genetics (formerly Invitae), Labcorp
Classification: Benign for RASopathy. Last evaluated: 2025-08-13. Review status: criteria provided, single submitter. Criteria: Invitae Variant Classification Sherloc (09022015). Collection method: clinical testing. Allele origin: germline.

Ambry Genetics
Classification: Uncertain significance for Cardiovascular phenotype. Last evaluated: 2021-04-30. Review status: criteria provided, single submitter. Criteria: Ambry Variant Classification Scheme 2023. Collection method: clinical testing. Allele origin: germline.
Comment: The p.I327V variant (also known as c.979A>G), located in coding exon 8 of the SOS1 gene, results from an A to G substitution at nucleotide position 979. The isoleucine at codon 327 is replaced by valine, an amino acid with highly similar properties. This amino acid position is highly conserved in available vertebrate species. In addition, this alteration is predicted to be tolerated by in silico analysis. Since supporting evidence is limited at this time, the clinical significance of this alteration remains unclear.

Shenzhen Institute of Pediatrics, Shenzhen Children's Hospital
Classification: Uncertain significance for Noonan syndrome 4. Last evaluated: 2017-06-11. Review status: criteria provided, single submitter. Criteria: ACMG Guidelines, 2015. Collection method: clinical testing. Allele origin: unknown. Inheritance: Autosomal dominant inheritance. Affected: yes.

Genome-Nilou Lab
Classification: Uncertain significance for Noonan syndrome 4. Review status: criteria provided, single submitter. Criteria: ACMG Guidelines, 2015. Collection method: clinical testing. Allele origin: germline.

Genome-Nilou Lab
Classification: Uncertain significance for Fibromatosis, gingival, 1. Review status: criteria provided, single submitter. Criteria: ACMG Guidelines, 2015. Collection method: clinical testing. Allele origin: germline.

Dr. Peter K. Rogan Lab, Western University
No classification provided (evidence only). Condition: Glioma susceptibility 1. Review status: no classification provided. Collection method: in vitro. Allele origin: not applicable. Functional consequence: retained intron. Not counted in ClinVar's aggregate classification.